The following is an entry in ClinVar:

NM_080669.6(SLC46A1):c.1323-3C>T

Genes: SARM1 (sterile alpha and TIR motif containing 1; plus strand), SLC46A1 (solute carrier family 46 member 1; minus strand). Cytogenetic location: 17q11.2.
Variant type: single nucleotide variant.
Coding change: c.1323-3C>T on transcript NM_080669.6 (MANE Select); 3 bases into the intron before coding-DNA position 1323, C replaced by T.
Molecular consequence: intron variant. On other transcripts: 3 prime UTR variant (1).
Genome position (GRCh38, 1-based): chr17:28,399,716, G>A on the plus strand (C>T on the coding strand, the complement: SLC46A1 is on the minus strand). VCF-style: chr17-28399716-G-A. GRCh37 (hg19) VCF-style: chr17-26726732-G-A.
Other names: c.*3430G>A (NM_015077.4); c.1239-3C>T (NM_001242366.3).
Identifiers: ClinVar variation 2175600 (VCV002175600.4), dbSNP rs781799325, ClinGen allele CA8458145.
Genomic context (GRCh38, chr17:28,399,716, plus strand): 5'-TCAGGGGCTCTGGGGAAACTGCTGGAACTCGAGGTGAGGATCAGCCTTTTCCAGCATCCT[G>A]TGAGAGACCAGAGAGAGAGTTTGGATTTCATGTGGGGAACCCTCAAGGCCTGTCTGGAGA-3'

ClinVar aggregate classification (germline): Uncertain significance (1 of 4 stars; one submission).

gnomAD v4.1: 4 of 1,613,936 alleles (0.00025%); highest among the groups gnomAD compares: South Asian, 0.0033%; no homozygotes.

Submission:

Labcorp Genetics (formerly Invitae), Labcorp
Classification: Uncertain significance. Last evaluated: 2022-02-08. Review status: criteria provided, single submitter. Criteria: Invitae Variant Classification Sherloc (09022015). Collection method: clinical testing. Allele origin: germline.
Comment: This sequence change falls in intron 4 of the SLC46A1 gene. It does not directly change the encoded amino acid sequence of the SLC46A1 protein. It affects a nucleotide within the consensus splice site. This variant is present in population databases (rs781799325, gnomAD 0.003%). This variant has not been reported in the literature in individuals affected with SLC46A1-related conditions. Variants that disrupt the consensus splice site are a relatively common cause of aberrant splicing (PMID: 17576681, 9536098). Experimental studies and prediction algorithms are not available or were not evaluated, and the effect of this variant on mRNA splicing is currently unknown. In summary, the available evidence is currently insufficient to determine the role of this variant in disease. Therefore, it has been classified as a Variant of Uncertain Significance.

Literature cited by the submitters: PubMed 17576681; PubMed 9536098.